The following is an entry in ClinVar:

NM_006766.5(KAT6A):c.4256_4260dup (p.Asp1421fs)

Gene: KAT6A (lysine acetyltransferase 6A; minus strand). Cytogenetic location: 8p11.21.
Variant type: Duplication.
Coding change: c.4256_4260dup on transcript NM_006766.5 (MANE Select); coding-DNA positions 4256 to 4260, 5 bases duplicated (AGCTG; older notation c.4256_4260dupAGCTG).
Protein change: p.Asp1421fs; shifts the reading frame from aspartic acid 1421.
Molecular consequence: frameshift variant.
Genome position (GRCh38, 1-based): chr8:41,933,960-41,933,964, CAGCT duplicated on the plus strand (AGCTG on the coding strand, the reverse complement: KAT6A is on the minus strand); duplicating any 5 consecutive bases within chr8:41,933,960-41,933,966 gives the same sequence; the c. name uses the placement nearest the transcript's 3' end. VCF-style (leftmost placement, unchanged base first): chr8-41933959-C-CCAGCT. GRCh37 (hg19) VCF-style: chr8-41791477-C-CCAGCT.
Other names: short protein forms D1421fs.
Identifiers: ClinVar variation 817328 (VCV000817328.1), dbSNP rs1587708739, ClinGen allele CA915945666.
Genomic context (GRCh38, chr8:41,933,959, plus strand): 5'-CCTCATGCTCACTGCTTTCTTCTTGAGTCAAAGACTGCACTGCCTGTACAGTTTCCAGAT[C>CCAGCT]CAGCTCACTATGAGGAATCTCTTCCTCCTCTTTTAATTCGATTAACTCTTCCTTAGTGTG-3'

ClinVar aggregate classification (germline): Pathogenic (1 of 4 stars; one submission).

Submission:

GeneDx
Classification: Pathogenic. Last evaluated: 2018-11-23. Review status: criteria provided, single submitter. Criteria: GeneDx Variant Classification (06012015). Collection method: clinical testing. Allele origin: germline. Affected: yes.
Comment: The c.4256_4260dupAGCTG variant in the KAT6A gene has not been reported previously as a pathogenic variant nor as a benign variant, to our knowledge. The c.4256_4260dupAGCTG variant causes a frameshift starting with codon Aspartic Acid 1421, changes this amino acid to a Serine residue, and creates a premature Stop codon at position 13 of the new reading frame, denoted p.Asp1421SerfsX13. This variant is predicted to cause loss of normal protein function through protein truncation as the last 584 amino acids of the protein are lost and replaced with 12 incorrect amino acids. The c.4256_4260dupAGCTG variant is not observed in large population cohorts (Lek et al., 2016). We interpret c.4256_4260dupAGCTG as a pathogenic variant.